The following is an entry in ClinVar:

ClinVar aggregate classification (germline): Uncertain significance (1 of 4 stars; one submission).

Conditions:
Nemaline myopathy 6 (NEM6). Also called: Nemaline myopathy 6, autosomal dominant. Identifiers: Orphanet 171439, MedGen C1836472, MONDO:0012237, OMIM 609273.

gnomAD v4.1: 6 of 1,582,586 alleles (0.00038%); highest among the groups gnomAD compares: Non-Finnish European, 0.00043%; no homozygotes.

Submission:

Labcorp Genetics (formerly Invitae), Labcorp
Classification: Uncertain significance for Nemaline myopathy 6. Last evaluated: 2023-05-17. Review status: criteria provided, single submitter. Criteria: Invitae Variant Classification Sherloc (09022015). Collection method: clinical testing. Allele origin: germline.
Comment: In summary, the available evidence is currently insufficient to determine the role of this variant in disease. Therefore, it has been classified as a Variant of Uncertain Significance. Advanced modeling of protein sequence and biophysical properties (such as structural, functional, and spatial information, amino acid conservation, physicochemical variation, residue mobility, and thermodynamic stability) performed at Invitae indicates that this missense variant is not expected to disrupt KBTBD13 protein function. This variant has not been reported in the literature in individuals affected with KBTBD13-related conditions. This variant is not present in population databases (gnomAD no frequency). This sequence change replaces valine, which is neutral and non-polar, with methionine, which is neutral and non-polar, at codon 288 of the KBTBD13 protein (p.Val288Met).

NM_001101362.3(KBTBD13):c.862G>A (p.Val288Met)

Gene: KBTBD13 (kelch repeat and BTB domain containing 13; plus strand). Cytogenetic location: 15q22.31.
Variant type: single nucleotide variant.
Coding change: c.862G>A on transcript NM_001101362.3 (MANE Select); coding-DNA position 862, G replaced by A.
Protein change: p.Val288Met; replaces valine 288 with methionine.
Molecular consequence: missense variant.
Genome position (GRCh38, 1-based): chr15:65,077,677, G>A. VCF-style: chr15-65077677-G-A. GRCh37 (hg19) VCF-style: chr15-65370015-G-A.
Other names: short protein forms V288M.
Identifiers: ClinVar variation 2968677 (VCV002968677.3), dbSNP rs762309788, ClinGen allele CA392864082.